The following is an entry in ClinVar:

ClinVar aggregate classification (germline): Pathogenic/Likely pathogenic. Review status: criteria provided, multiple submitters, no conflicts (2 of 4 stars). 2 submissions from 2 submitters: Pathogenic (1); Likely pathogenic (1). Last evaluated 2025-04-23.

Conditions:
Charcot-Marie-Tooth disease type 2E (CMT2E). Also called: CHARCOT-MARIE-TOOTH NEUROPATHY, TYPE 2E; CHARCOT-MARIE-TOOTH DISEASE, AXONAL, TYPE 2E. Identifiers: Orphanet 99939, MedGen C1843225, MONDO:0011894, OMIM 607684.

Submissions (2):

GeneDx
Classification: Likely pathogenic. Last evaluated: 2025-04-23. Review status: criteria provided, single submitter. Criteria: GeneDx Variant Classification Process June 2021. Collection method: clinical testing. Allele origin: germline. Affected: yes.
Comment: Reported previously in families with Charcot-Marie-Tooth disease; however, the relationship of the affected patients was unclear as no pedigrees were provided (PMID: 35044100); In silico analysis supports that this missense variant has a deleterious effect on protein structure/function; Not observed at significant frequency in large population cohorts (gnomAD); This variant is associated with the following publications: (PMID: 35044100, 22730194)

Labcorp Genetics (formerly Invitae), Labcorp
Classification: Pathogenic for Charcot-Marie-Tooth disease type 2E. Last evaluated: 2023-04-09. Review status: criteria provided, single submitter. Criteria: Invitae Variant Classification Sherloc (09022015). Collection method: clinical testing. Allele origin: germline.
Comment: For these reasons, this variant has been classified as Pathogenic. Advanced modeling of protein sequence and biophysical properties (such as structural, functional, and spatial information, amino acid conservation, physicochemical variation, residue mobility, and thermodynamic stability) performed at Invitae indicates that this missense variant is expected to disrupt NEFL protein function. This missense change has been observed in individual(s) with autosomal dominant Charcot-Marie-Tooth disease (PMID: 22730194). It has also been observed to segregate with disease in related individuals. This variant is not present in population databases (gnomAD no frequency). This sequence change replaces isoleucine, which is neutral and non-polar, with phenylalanine, which is neutral and non-polar, at codon 384 of the NEFL protein (p.Ile384Phe).

Literature cited by the submitters: PubMed 22730194 (cited by Labcorp Genetics (formerly Invitae), Labcorp).

NM_006158.5(NEFL):c.1150A>T (p.Ile384Phe)

Genes: NEFL (neurofilament light chain; minus strand), LOC126860330 (BRD4-independent group 4 enhancer GRCh37_chr8:24811677-24812876; plus strand). Cytogenetic location: 8p21.2.
Variant type: single nucleotide variant.
Coding change: c.1150A>T on transcript NM_006158.5 (MANE Select); coding-DNA position 1150, A replaced by T.
Protein change: p.Ile384Phe; replaces isoleucine 384 with phenylalanine.
Molecular consequence: missense variant.
Genome position (GRCh38, 1-based): chr8:24,954,200, T>A on the plus strand (A>T on the coding strand, the complement: NEFL is on the minus strand). VCF-style: chr8-24954200-T-A. GRCh37 (hg19) VCF-style: chr8-24811714-T-A.
Other names: c.1150A>T (NM_006158.3); short protein forms I384F.
Identifiers: ClinVar variation 2735143 (VCV002735143.4), dbSNP rs1325294849, ClinGen allele CA370620799.